The following is an entry in ClinVar:

NM_025114.4(CEP290):c.829G>T (p.Glu277Ter)

Gene: CEP290 (centrosomal protein 290; minus strand). Cytogenetic location: 12q21.32.
Variant type: single nucleotide variant.
Coding change: c.829G>T on transcript NM_025114.4 (MANE Select); coding-DNA position 829, G replaced by T.
Protein change: p.Glu277Ter; replaces glutamic acid 277 with a stop codon.
Molecular consequence: nonsense.
Genome position (GRCh38, 1-based): chr12:88,129,717, C>A on the plus strand (G>T on the coding strand, the complement: CEP290 is on the minus strand). VCF-style: chr12-88129717-C-A. GRCh37 (hg19) VCF-style: chr12-88523494-C-A.
Other names: short protein forms E277*.
Identifiers: ClinVar variation 813995 (VCV000813995.11), dbSNP rs45502896, ClinGen allele CA385984278.

ClinVar aggregate classification (germline): Pathogenic/Likely pathogenic. Review status: criteria provided, multiple submitters, no conflicts (2 of 4 stars). 5 submissions from 5 submitters: Pathogenic (3); Likely pathogenic (2). Last evaluated 2024-04-23.

Conditions:
Joubert syndrome. Also called: Familial aplasia of the vermis; JOUBERT-BOLTSHAUSER SYNDROME. Identifiers: Orphanet 475, MedGen C5979921, MONDO:0018772.
Meckel-Gruber syndrome. Also called: DYSENCEPHALIA SPLANCHNOCYSTICA; GRUBER SYNDROME; Dysencephalia splachnocystica. Identifiers: Orphanet 564, MedGen C0265215, MONDO:0018921.
Nephronophthisis. Also called: Juvenile Nephronophthisis. Identifiers: Orphanet 655, MedGen C0687120, MONDO:0019005, HP:0000090.
Senior-Loken syndrome 6 (SLSN6). Identifiers: Orphanet 3156, MedGen C1857779, MONDO:0012433, OMIM 610189.
Bardet-Biedl syndrome 14 (BBS14). Identifiers: Orphanet 110, MedGen C2673874, MONDO:0014442, OMIM 615991.
Leber congenital amaurosis 10 (LCA10). Identifiers: Orphanet 65, MedGen C1857821, MONDO:0012723, OMIM 611755.
Meckel syndrome, type 4 (MKS4). Also called: MECKEL-GRUBER SYNDROME, TYPE 4. Identifiers: Orphanet 564, MedGen C1970161, MONDO:0012626, OMIM 611134.
Joubert syndrome 5 (JBTS5). Identifiers: Orphanet 2318, MedGen C1857780, MONDO:0012432, OMIM 610188.
CEP290-related ciliopathy. Also called: CEP290 ciliopathy. Identifiers: MedGen CN305601, MONDO:0100451.

Submissions (5):

Myriad Genetics, Inc.
Classification: Pathogenic for CEP290-related ciliopathy. Last evaluated: 2024-04-23. Review status: criteria provided, single submitter. Criteria: Myriad Autosomal Dominant, Autosomal Recessive and X-Linked Classification Criteria (2023). Collection method: clinical testing. Allele origin: unknown.
Comment: NM_025114.3(CEP290):c.829G>T(E277*) is expected to be pathogenic in the context of CEP290-related disorders. This variant is predicted to lead to an abnormal or absent protein product due to the creation of a premature termination codon in CEP290, a gene where loss-of-function variants are known to be pathogenic. Please note: this variant was assessed in the context of healthy population screening.

Baylor Genetics
Classification: Pathogenic for Bardet-Biedl syndrome 14. Last evaluated: 2023-11-23. Review status: criteria provided, single submitter. Criteria: ACMG Guidelines, 2015. Collection method: clinical testing. Allele origin: unknown.

Fulgent Genetics
Classification: Likely pathogenic for Joubert syndrome 5; Senior-Loken syndrome 6; Meckel syndrome, type 4; Leber congenital amaurosis 10; Bardet-Biedl syndrome 14. Last evaluated: 2021-11-06. Review status: criteria provided, single submitter. Criteria: ACMG Guidelines, 2015. Collection method: clinical testing. Allele origin: unknown.

Labcorp Genetics (formerly Invitae), Labcorp
Classification: Pathogenic for Joubert syndrome; Meckel-Gruber syndrome; Nephronophthisis. Last evaluated: 2021-09-15. Review status: criteria provided, single submitter. Criteria: Invitae Variant Classification Sherloc (09022015). Collection method: clinical testing. Allele origin: germline.
Comment: This sequence change creates a premature translational stop signal (p.Glu277*) in the CEP290 gene. It is expected to result in an absent or disrupted protein product. Loss-of-function variants in CEP290 are known to be pathogenic (PMID: 16909394, 17345604, 20690115). This variant is not present in population databases (ExAC no frequency). This variant has not been reported in the literature in individuals affected with CEP290-related conditions. ClinVar contains an entry for this variant (Variation ID: 813995). For these reasons, this variant has been classified as Pathogenic.

Broad Center for Mendelian Genomics, Broad Institute of MIT and Harvard
Classification: Likely pathogenic for Leber congenital amaurosis 10. Last evaluated: 2018-12-03. Review status: criteria provided, single submitter. Criteria: ACMG Guidelines, 2015. Collection method: research. Allele origin: germline. Inheritance: Autosomal recessive inheritance. Affected: yes.
Comment: The p.Glu277Ter variant in CEP290 has not been previously reported in individuals with Leber congenital amaurosis and was absent from large population studies. This nonsense variant leads to a premature termination codon at position 277, which is predicted to lead to a truncated or absent protein. Loss of function of the CEP290 gene is an established disease mechanism in autosomal recessive Leber congenital amaurosis. In summary, although additional studies are required to fully establish its clinical significance, the clinial significance of this variant is likely pathogenic. Criteria applied: PM2, PVS1 (Richards 2015).

Literature cited by the submitters: PubMed 16909394 (cited by Labcorp Genetics (formerly Invitae), Labcorp); PubMed 17345604 (cited by Labcorp Genetics (formerly Invitae), Labcorp); PubMed 20690115 (cited by Labcorp Genetics (formerly Invitae), Labcorp).